The following is an entry in ClinVar:

ClinVar aggregate classification (germline): Uncertain significance. Review status: criteria provided, multiple submitters, no conflicts (2 of 4 stars). 2 submissions from 2 submitters: Uncertain significance (2). Last evaluated 2025-11-23.

Conditions:
Catecholaminergic polymorphic ventricular tachycardia 1. Also called: RYR2-Related Catecholaminergic Polymorphic Ventricular Tachycardia; VENTRICULAR TACHYCARDIA, STRESS-INDUCED POLYMORPHIC 1; VENTRICULAR TACHYCARDIA, CATECHOLAMINERGIC POLYMORPHIC, 1, WITH OR WITHOUT ATRIAL DYSFUNCTION AND/OR DILATED CARDIOMYOPATHY. Identifiers: Orphanet 3286, MedGen C1631597, MONDO:0011484, OMIM 604772.

Submissions (2):

Labcorp Genetics (formerly Invitae), Labcorp
Classification: Uncertain significance for Catecholaminergic polymorphic ventricular tachycardia 1. Last evaluated: 2025-11-23. Review status: criteria provided, single submitter. Criteria: Invitae Variant Classification Sherloc (09022015). Collection method: clinical testing. Allele origin: germline.
Comment: This sequence change replaces lysine, which is basic and polar, with arginine, which is basic and polar, at codon 1043 of the RYR2 protein (p.Lys1043Arg). This variant is not present in population databases (gnomAD no frequency). This variant has not been reported in the literature in individuals affected with RYR2-related conditions. ClinVar contains an entry for this variant (Variation ID: 179545). Invitae Evidence Modeling of protein sequence and biophysical properties (such as structural, functional, and spatial information, amino acid conservation, physicochemical variation, residue mobility, and thermodynamic stability) has been performed for this missense variant. However, the output from this modeling did not meet the statistical confidence thresholds required to predict the impact of this variant on RYR2 protein function. In summary, the available evidence is currently insufficient to determine the role of this variant in disease. Therefore, it has been classified as a Variant of Uncertain Significance.

Laboratory for Molecular Medicine, Mass General Brigham Personalized Medicine
Classification: Uncertain significance. Last evaluated: 2014-02-21. Review status: criteria provided, single submitter. Criteria: LMM Criteria. Collection method: clinical testing. Allele origin: germline. Observed: 1 variant allele.
Comment: The Lys1043Arg variant in RYR2 has not been previously reported in individuals w ith cardiomyopathy and was absent from large population studies. Computational p rediction tools and conservation analysis do not provide strong support for or a gainst an impact to the protein. Additional information is needed to fully asse ss the clinical significance of this variant.

NM_001035.3(RYR2):c.3128A>G (p.Lys1043Arg)

Gene: RYR2 (ryanodine receptor 2; plus strand). Cytogenetic location: 1q43.
Variant type: single nucleotide variant.
Coding change: c.3128A>G on transcript NM_001035.3 (MANE Select); coding-DNA position 3128, A replaced by G.
Protein change: p.Lys1043Arg; replaces lysine 1043 with arginine.
Molecular consequence: missense variant.
Genome position (GRCh38, 1-based): chr1:237,550,605, A>G. VCF-style: chr1-237550605-A-G. GRCh37 (hg19) VCF-style: chr1-237713905-A-G.
Other names: short protein forms K1043R.
Identifiers: ClinVar variation 179545 (VCV000179545.6), dbSNP rs727504939, ClinGen allele CA009090.
Genomic context (GRCh38, chr1:237,550,605, plus strand): 5'-ACGTAAAGAACAGAAGAAATCCTCGCCTTGTTCCCTACACTCTTCTGGATGACCGAACCA[A>G]GAAATCCAACAAGGACAGCCTCCGCGAGGCTGTGCGCACGCTGCTGGGGTACGGCTACAA-3'
Protein context (NP_001026.2, residues 1033-1053): VPYTLLDDRT[Lys1043Arg]KSNKDSLREA